The following is an entry in ClinVar:

ClinVar aggregate classification (germline): Benign/Likely benign. Review status: criteria provided, multiple submitters, no conflicts (2 of 4 stars). 5 submissions from 5 submitters: Benign (1); Likely benign (3). 1 of the submissions does not count toward it. Last evaluated 2025-12-08.

Conditions:
GANAB-related disorder. Also called: GANAB-related condition.

Allele frequency attached by ClinVar (database versions not stated): 1000 Genomes Project 0.00499; 1000 Genomes Project 30x 0.00547; gnomAD exomes 0.00033 and 0.00085; ExAC 0.00117; ESP Exome Variant Server 0.00285; gnomAD 0.00338 and 0.00362; TOPMed 0.00384.

Submissions (5):

Labcorp Genetics (formerly Invitae), Labcorp
Classification: Benign. Last evaluated: 2025-12-08. Review status: criteria provided, single submitter. Criteria: Invitae Variant Classification Sherloc (09022015). Collection method: clinical testing. Allele origin: germline.

Blueprint Genetics
Classification: Likely benign. Last evaluated: 2024-11-01. Review status: criteria provided, single submitter. Criteria: ACMG Guidelines, 2015. Collection method: clinical testing. Allele origin: germline.

GeneDx
Classification: Likely benign. Last evaluated: 2021-03-14. Review status: criteria provided, single submitter. Criteria: GeneDx Variant Classification Process June 2021. Collection method: clinical testing. Allele origin: germline. Affected: yes.

Breakthrough Genomics
Classification: Likely benign. Review status: criteria provided, single submitter. Criteria: ACMG Guidelines, 2015. Collection method: not provided. Allele origin: germline. Inheritance: Autosomal dominant inheritance. Affected: yes.

PreventionGenetics, part of Exact Sciences
Classification: Benign for GANAB-related condition. Last evaluated: 2019-05-06. Review status: no assertion criteria provided. Collection method: clinical testing. Allele origin: germline. Not counted in ClinVar's aggregate classification.
Comment: This variant is classified as benign based on ACMG/AMP sequence variant interpretation guidelines (Richards et al. 2015 PMID: 25741868, with internal and published modifications).

NM_198334.3(GANAB):c.1590T>C (p.Tyr530=)

Gene: GANAB (glucosidase II alpha subunit; minus strand). Cytogenetic location: 11q12.3.
Variant type: single nucleotide variant.
Coding change: c.1590T>C on transcript NM_198334.3 (MANE Select); coding-DNA position 1590, T replaced by C.
Protein change: p.Tyr530=; no amino-acid change (tyrosine 530 retained).
Molecular consequence: synonymous variant.
Genome position (GRCh38, 1-based): chr11:62,630,200, A>G on the plus strand (T>C on the coding strand, the complement: GANAB is on the minus strand). VCF-style: chr11-62630200-A-G. GRCh37 (hg19) VCF-style: chr11-62397672-A-G.
Other names: c.1314T>C, p.Tyr438= (NM_001278192.2); c.1248T>C, p.Tyr416= (NM_001278193.2); c.1299T>C, p.Tyr433= (NM_001278194.2, NM_001329222.2, NM_001329223.2); c.867T>C, p.Tyr289= (NM_001329224.2, NM_001329225.2); c.1656T>C, p.Tyr552= (NM_198335.4).
Identifiers: ClinVar variation 780994 (VCV000780994.16), dbSNP rs143868095, ClinGen allele CA6050732.